The following is an entry in ClinVar:

NM_002471.4(MYH6):c.2144T>A (p.Ile715Asn)

Gene: MYH6 (myosin heavy chain 6; minus strand). Cytogenetic location: 14q11.2.
Variant type: single nucleotide variant.
Coding change: c.2144T>A on transcript NM_002471.4 (MANE Select); coding-DNA position 2144, T replaced by A.
Protein change: p.Ile715Asn; replaces isoleucine 715 with asparagine.
Molecular consequence: missense variant.
Genome position (GRCh38, 1-based): chr14:23,396,987, A>T on the plus strand (T>A on the coding strand, the complement: MYH6 is on the minus strand). VCF-style: chr14-23396987-A-T. GRCh37 (hg19) VCF-style: chr14-23866196-A-T.
Other names: short protein forms I715N.
Identifiers: ClinVar variation 4708197 (VCV004708197.1).
Genomic context (GRCh38, chr14:23,396,987, plus strand): 5'-CCTGTTCTATGAGCTCTGGGGCACCCTCATACCCACCTCTGCCGGAAGTCCCCGTAGAGG[A>T]TGCGGTTGGGGAAGCCCTTCCTGCAGATGCGGATGCCCTCCAGCACGCCATTGCAGCGCA-3'
Protein context (NP_002462.2, residues 705-725): RICRKGFPNR[Ile715Asn]LYGDFRQRYR

ClinVar aggregate classification (germline): Uncertain significance (1 of 4 stars; one submission).

Conditions:
Hypertrophic cardiomyopathy 14. Identifiers: MedGen C2750467, MONDO:0013197, OMIM 613251.

Submission:

Labcorp Genetics (formerly Invitae), Labcorp
Classification: Uncertain significance for Hypertrophic cardiomyopathy 14. Last evaluated: 2026-01-28. Review status: criteria provided, single submitter. Criteria: Invitae Variant Classification Sherloc (09022015). Collection method: clinical testing. Allele origin: germline.
Comment: This sequence change replaces isoleucine, which is neutral and non-polar, with asparagine, which is neutral and polar, at codon 715 of the MYH6 protein (p.Ile715Asn). This variant is not present in population databases (gnomAD no frequency). This variant has not been reported in the literature in individuals affected with MYH6-related conditions. Invitae Evidence Modeling of protein sequence and biophysical properties (such as structural, functional, and spatial information, amino acid conservation, physicochemical variation, residue mobility, and thermodynamic stability) has been performed for this missense variant. However, the output from this modeling did not meet the statistical confidence thresholds required to predict the impact of this variant on MYH6 protein function. In summary, the available evidence is currently insufficient to determine the role of this variant in disease. Therefore, it has been classified as a Variant of Uncertain Significance.